The following is an entry in ClinVar:

NM_001903.5(CTNNA1):c.1906G>A (p.Glu636Lys)

Gene: CTNNA1 (catenin alpha 1; plus strand). Cytogenetic location: 5q31.2.
Variant type: single nucleotide variant.
Coding change: c.1906G>A on transcript NM_001903.5 (MANE Select); coding-DNA position 1906, G replaced by A.
Protein change: p.Glu636Lys; replaces glutamic acid 636 with lysine.
Molecular consequence: missense variant.
Genome position (GRCh38, 1-based): chr5:138,929,252, G>A. VCF-style: chr5-138929252-G-A. GRCh37 (hg19) VCF-style: chr5-138264941-G-A.
Other names: c.1906G>A, p.Glu636Lys (NM_001290307.3, NM_001323982.2, NM_001323983.1 and 2 more transcripts); c.1597G>A, p.Glu533Lys (NM_001290309.3); c.1537G>A, p.Glu513Lys (NM_001290310.3); c.796G>A, p.Glu266Lys (NM_001290312.1, NM_001323987.1, NM_001323988.1 and 17 more transcripts); c.1813G>A, p.Glu605Lys (NM_001323986.2); c.457G>A, p.Glu153Lys (NM_001324006.1, NM_001324007.1, NM_001324008.1 and 2 more transcripts); c.703G>A, p.Glu235Lys (NM_001324011.1); c.553G>A, p.Glu185Lys (NM_001324012.1, NM_001324013.1); short protein forms E153K, E266K, E185K, E235K, E533K, E605K, E513K, E636K.
Identifiers: ClinVar variation 964179 (VCV000964179.12), dbSNP rs1764793973, ClinGen allele CA361132678.

ClinVar aggregate classification (germline): Uncertain significance. Review status: criteria provided, multiple submitters, no conflicts (2 of 4 stars). 2 submissions from 2 submitters: Uncertain significance (2). Last evaluated 2022-11-08.

Conditions:
Hereditary cancer-predisposing syndrome. Also called: Tumor predisposition; Hereditary neoplastic syndrome; Hereditary Cancer Syndrome; Neoplastic Syndromes, Hereditary. Identifiers: Orphanet 140162, MedGen C0027672, MeSH D009386, MONDO:0015356.

Submissions (2):

Labcorp Genetics (formerly Invitae), Labcorp
Classification: Uncertain significance. Last evaluated: 2022-11-08. Review status: criteria provided, single submitter. Criteria: Invitae Variant Classification Sherloc (09022015). Collection method: clinical testing. Allele origin: germline.
Comment: In summary, the available evidence is currently insufficient to determine the role of this variant in disease. Therefore, it has been classified as a Variant of Uncertain Significance. Advanced modeling of protein sequence and biophysical properties (such as structural, functional, and spatial information, amino acid conservation, physicochemical variation, residue mobility, and thermodynamic stability) performed at Invitae indicates that this missense variant is not expected to disrupt CTNNA1 protein function. This sequence change replaces glutamic acid, which is acidic and polar, with lysine, which is basic and polar, at codon 636 of the CTNNA1 protein (p.Glu636Lys). This variant is not present in population databases (gnomAD no frequency). This variant has not been reported in the literature in individuals affected with CTNNA1-related conditions. ClinVar contains an entry for this variant (Variation ID: 964179).

Ambry Genetics
Classification: Uncertain significance for Hereditary cancer-predisposing syndrome. Last evaluated: 2021-03-23. Review status: criteria provided, single submitter. Criteria: Ambry Variant Classification Scheme 2023. Collection method: clinical testing. Allele origin: germline.
Comment: The p.E636K variant (also known as c.1906G>A), located in coding exon 13 of the CTNNA1 gene, results from a G to A substitution at nucleotide position 1906. The glutamic acid at codon 636 is replaced by lysine, an amino acid with similar properties. This amino acid position is well conserved in available vertebrate species. In addition, the in silico prediction for this alteration is inconclusive. Since supporting evidence is limited at this time, the clinical significance of this alteration remains unclear.